The following is an entry in ClinVar:

ClinVar aggregate classification (germline): Uncertain significance. Review status: criteria provided, multiple submitters, no conflicts (2 of 4 stars). 3 submissions from 3 submitters: Uncertain significance (3). Last evaluated 2025-03-13.

Allele frequency attached by ClinVar (database versions not stated): TOPMed 0.00001.

Submissions (3):

Labcorp Genetics (formerly Invitae), Labcorp
Classification: Uncertain significance. Last evaluated: 2025-03-13. Review status: criteria provided, single submitter. Criteria: Invitae Variant Classification Sherloc (09022015). Collection method: clinical testing. Allele origin: germline.
Comment: This sequence change replaces arginine, which is basic and polar, with tryptophan, which is neutral and slightly polar, at codon 853 of the RBM10 protein (p.Arg853Trp). This variant is not present in population databases (gnomAD no frequency). This variant has not been reported in the literature in individuals affected with RBM10-related conditions. ClinVar contains an entry for this variant (Variation ID: 1712220). Invitae Evidence Modeling of protein sequence and biophysical properties (such as structural, functional, and spatial information, amino acid conservation, physicochemical variation, residue mobility, and thermodynamic stability) indicates that this missense variant is not expected to disrupt RBM10 protein function with a negative predictive value of 80%. In summary, the available evidence is currently insufficient to determine the role of this variant in disease. Therefore, it has been classified as a Variant of Uncertain Significance.

Blueprint Genetics
Classification: Uncertain significance. Last evaluated: 2023-04-27. Review status: criteria provided, single submitter. Criteria: ACMG Guidelines, 2015. Collection method: clinical testing. Allele origin: germline.

GeneDx
Classification: Uncertain significance. Last evaluated: 2022-04-22. Review status: criteria provided, single submitter. Criteria: GeneDx Variant Classification Process June 2021. Collection method: clinical testing. Allele origin: germline. Affected: yes.
Comment: Not observed at significant frequency in large population cohorts (gnomAD); In silico analysis supports that this missense variant has a deleterious effect on protein structure/function; Has not been previously published as pathogenic or benign to our knowledge

NM_005676.5(RBM10):c.2557C>T (p.Arg853Trp)

Gene: RBM10 (RNA binding motif protein 10; plus strand). Cytogenetic location: Xp11.3.
Variant type: single nucleotide variant.
Coding change: c.2557C>T on transcript NM_005676.5 (MANE Select); coding-DNA position 2557, C replaced by T.
Protein change: p.Arg853Trp; replaces arginine 853 with tryptophan.
Molecular consequence: missense variant.
Genome position (GRCh38, 1-based): chrX:47,186,277, C>T. VCF-style: chrX-47186277-C-T. GRCh37 (hg19) VCF-style: chrX-47045676-C-T.
Other names: c.2326C>T, p.Arg776Trp (NM_001204466.2); c.2554C>T, p.Arg852Trp (NM_001204467.2); c.2752C>T, p.Arg918Trp (NM_001204468.2); c.2323C>T, p.Arg775Trp (NM_152856.3); short protein forms R775W, R776W, R852W, R853W, R918W.
Identifiers: ClinVar variation 1712220 (VCV001712220.5), dbSNP rs1935901252, ClinGen allele CA412809415.